The following is an entry in ClinVar:

ClinVar aggregate classification (germline): Uncertain significance (1 of 4 stars; one submission).

Conditions:
Neurofibromatosis, type 1 (NF1). Also called: VON RECKLINGHAUSEN DISEASE; Peripheral type neurofibromatosis; NEUROFIBROMATOSIS, TYPE I, SOMATIC; Neurofibromatosis, type I. Identifiers: Orphanet 636, MedGen C0027831, MONDO:0018975, OMIM 162200. Disease mechanism: loss of function.

Submission:

Labcorp Genetics (formerly Invitae), Labcorp
Classification: Uncertain significance for Neurofibromatosis, type 1. Last evaluated: 2024-04-10. Review status: criteria provided, single submitter. Criteria: Invitae Variant Classification Sherloc (09022015). Collection method: clinical testing. Allele origin: germline.
Comment: This sequence change replaces valine, which is neutral and non-polar, with glutamic acid, which is acidic and polar, at codon 224 of the NF1 protein (p.Val224Glu). This variant is not present in population databases (gnomAD no frequency). This variant has not been reported in the literature in individuals affected with NF1-related conditions. Advanced modeling of protein sequence and biophysical properties (such as structural, functional, and spatial information, amino acid conservation, physicochemical variation, residue mobility, and thermodynamic stability) performed at Invitae indicates that this missense variant is expected to disrupt NF1 protein function with a positive predictive value of 95%. In summary, the available evidence is currently insufficient to determine the role of this variant in disease. Therefore, it has been classified as a Variant of Uncertain Significance.

NM_001042492.3(NF1):c.671T>A (p.Val224Glu)

Gene: NF1 (neurofibromin 1; plus strand). Cytogenetic location: 17q11.2.
Variant type: single nucleotide variant.
Coding change: c.671T>A on transcript NM_001042492.3 (MANE Select); coding-DNA position 671, T replaced by A.
Protein change: p.Val224Glu; replaces valine 224 with glutamic acid.
Molecular consequence: missense variant.
Genome position (GRCh38, 1-based): chr17:31,181,726, T>A. VCF-style: chr17-31181726-T-A. GRCh37 (hg19) VCF-style: chr17-29508744-T-A.
Other names: c.671T>A, p.Val224Glu (NM_000267.4, NM_001128147.3); short protein forms V224E.
Identifiers: ClinVar variation 3634487 (VCV003634487.2).